The following is an entry in ClinVar:

ClinVar aggregate classification (germline): Uncertain significance (1 of 4 stars; one submission).

Conditions:
Emery-Dreifuss muscular dystrophy (EDMD). Also called: Scapuloperoneal syndrome, X-linked (formerly); Humeroperoneal neuromuscular disease, (formerly). Identifiers: Orphanet 261, MedGen C0410189, MONDO:0016830.

Submission:

Labcorp Genetics (formerly Invitae), Labcorp
Classification: Uncertain significance for Emery-Dreifuss muscular dystrophy. Last evaluated: 2022-06-12. Review status: criteria provided, single submitter. Criteria: Invitae Variant Classification Sherloc (09022015). Collection method: clinical testing. Allele origin: germline.
Comment: In summary, the available evidence is currently insufficient to determine the role of this variant in disease. Therefore, it has been classified as a Variant of Uncertain Significance. This sequence change creates a premature translational stop signal (p.Ser209Glyfs*78) in the SUN1 gene. It is expected to result in an absent or disrupted protein product. However, the current clinical and genetic evidence is not sufficient to establish whether loss-of-function variants in SUN1 cause disease. This variant is not present in population databases (gnomAD no frequency). This variant has not been reported in the literature in individuals affected with SUN1-related conditions.

NM_001130965.3(SUN1):c.624_625insGGGTGCTCACGGCGCACCCCGCGGCCCCCGGGCCCGTG (p.Ser209fs)

Gene: SUN1 (Sad1 and UNC84 domain containing 1; plus strand). Cytogenetic location: 7p22.3.
Variant type: Insertion.
Coding change: c.624_625insGGGTGCTCACGGCGCACCCCGCGGCCCCCGGGCCCGTG on transcript NM_001130965.3 (MANE Select); coding-DNA positions 624 to 625, GGGTGCTCACGGCGCACCCCGCGGCCCCCGGGCCCGTG inserted.
Protein change: p.Ser209fs; shifts the reading frame from serine 209.
Molecular consequence: frameshift variant. On other transcripts: non-coding transcript variant (3), intron variant (1), 5 prime UTR variant (1).
Genome position: GRCh38: chr7:843,486-843,487. GRCh37 (hg19): chr7:883,123-883,124.
Other names: c.624_625insGGGTGCTCACGGCGCACCCCGCGGCCCCCGGGCCCGTG, p.Ser209fs (NM_001367678.1, NM_001367682.1, NM_001367683.1 and 32 more transcripts); c.474_475insGGGTGCTCACGGCGCACCCCGCGGCCCCCGGGCCCGTG, p.Ser159fs (NM_001367679.1, NM_001367680.1, NM_001367681.1 and 23 more transcripts); c.435_436insGGGTGCTCACGGCGCACCCCGCGGCCCCCGGGCCCGTG, p.Ser146fs (NM_001367695.1); c.474_475insGGGTGCTCACGGCGCACCCCGCGGCCCCCGGGCCCGTG, p.Ser159Glyfs (NM_001367707.1); c.57_58insGGGTGCTCACGGCGCACCCCGCGGCCCCCGGGCCCGTG, p.Ser20fs (NM_001367708.1, NM_001367639.1); c.451+1356_451+1357insGGGTGCTCACGGCGCACCCCGCGGCCCCCGGGCCCGTG (NM_001171944.2); c.687_688insGGGTGCTCACGGCGCACCCCGCGGCCCCCGGGCCCGTG, p.Ser230fs (NM_001171945.2); c.167_168insGGGTGCTCACGGCGCACCCCGCGGCCCCCGGGCCCGTG, p.Cys56fs (NM_001367635.1); and 3 more; short protein forms S159fs, S282fs, C56fs, S230fs, S146fs, S209fs, S218fs, S20fs.
Identifiers: ClinVar variation 2121691 (VCV002121691.4), dbSNP rs2486406165, ClinGen allele CA2580076692.